The following is an entry in ClinVar:

ClinVar aggregate classification (germline): Uncertain significance (1 of 4 stars; one submission).

Submission:

GeneDx
Classification: Uncertain significance. Last evaluated: 2025-03-31. Review status: criteria provided, single submitter. Criteria: GeneDx Variant Classification Process June 2021. Collection method: clinical testing. Allele origin: germline. Affected: yes.
Comment: Not observed at significant frequency in large population cohorts (gnomAD); In silico analysis supports that this missense variant has a deleterious effect on protein structure/function; Has not been previously published as pathogenic or benign to our knowledge

NM_006885.4(ZFHX3):c.7509G>C (p.Gln2503His)

Genes: ZFHX3 (zinc finger homeobox 3; minus strand), ZFHX3-AS1 (ZFHX3 antisense RNA 1; plus strand). Cytogenetic location: 16q22.2.
Variant type: single nucleotide variant.
Coding change: c.7509G>C on transcript NM_006885.4 (MANE Select); coding-DNA position 7509, G replaced by C.
Protein change: p.Gln2503His; replaces glutamine 2503 with histidine.
Molecular consequence: missense variant.
Genome position (GRCh38, 1-based): chr16:72,795,173, C>G on the plus strand (G>C on the coding strand, the complement: ZFHX3 is on the minus strand). VCF-style: chr16-72795173-C-G. GRCh37 (hg19) VCF-style: chr16-72829072-C-G.
Other names: c.4767G>C, p.Gln1589His (NM_001164766.2); c.7509G>C, p.Gln2503His (NM_001386735.1); short protein forms Q1589H, Q2503H.
Identifiers: ClinVar variation 4278723 (VCV004278723.1).